The following is an entry in ClinVar:

ClinVar aggregate classification (germline): Likely benign. Review status: criteria provided, multiple submitters, no conflicts (2 of 4 stars). 4 submissions from 4 submitters: Likely benign (4). Last evaluated 2026-01-11.

Conditions:
Inborn genetic diseases. Identifiers: MedGen C0950123, MeSH D030342.
SAMD9L-related disorder. Also called: SAMD9L-related condition; SAMD9L-related disorders.

Allele frequency attached by ClinVar (database versions not stated): ExAC 0.00001; gnomAD exomes 0.00002 and 0.00003; TOPMed 0.00005; gnomAD 0.00006.

Submissions (4):

Labcorp Genetics (formerly Invitae), Labcorp
Classification: Likely benign. Last evaluated: 2026-01-11. Review status: criteria provided, single submitter. Criteria: Invitae Variant Classification Sherloc (09022015). Collection method: clinical testing. Allele origin: germline.

PreventionGenetics, part of Exact Sciences
Classification: Likely benign for SAMD9L-related condition. Last evaluated: 2025-02-25. Review status: criteria provided, single submitter. Criteria: ACMG Guidelines, 2015. Collection method: clinical testing. Allele origin: germline.
Comment: This variant is classified as likely benign based on ACMG/AMP sequence variant interpretation guidelines (Richards et al. 2015 PMID: 25741868, with internal and published modifications).

Ambry Genetics
Classification: Likely benign for Inborn genetic diseases. Last evaluated: 2024-10-05. Review status: criteria provided, single submitter. Criteria: Ambry Variant Classification Scheme 2023. Collection method: clinical testing. Allele origin: germline.

Blueprint Genetics
Classification: Likely benign. Last evaluated: 2022-06-15. Review status: criteria provided, single submitter. Criteria: ACMG Guidelines, 2015. Collection method: clinical testing. Allele origin: germline.

NM_152703.5(SAMD9L):c.3468G>A (p.Ala1156=)

Gene: SAMD9L (sterile alpha motif domain containing 9 like; minus strand). Cytogenetic location: 7q21.2.
Variant type: single nucleotide variant.
Coding change: c.3468G>A on transcript NM_152703.5 (MANE Select); coding-DNA position 3468, G replaced by A.
Protein change: p.Ala1156=; no amino-acid change (alanine 1156 retained).
Molecular consequence: synonymous variant.
Genome position (GRCh38, 1-based): chr7:93,132,504, C>T on the plus strand (G>A on the coding strand, the complement: SAMD9L is on the minus strand). VCF-style: chr7-93132504-C-T. GRCh37 (hg19) VCF-style: chr7-92761817-C-T.
Other names: c.3468G>A (NM_152703.2, NM_152703.3); c.3468G>A, p.Ala1156= (NM_001303496.3, NM_001303497.3, NM_001303498.3 and 5 more transcripts).
Identifiers: ClinVar variation 1532065 (VCV001532065.11), dbSNP rs202124049, ClinGen allele CA4343446.